The following is an entry in ClinVar:

GRCh38/hg38 16q12.1(chr16:47304199-47547761)x1

Genes: ITFG1 (integrin alpha FG-GAP repeat containing 1; minus strand), ITFG1-AS2 (ITFG1 antisense RNA 2; plus strand), PHKB (phosphorylase kinase regulatory subunit beta; plus strand), LOC112449713 (Sharpr-MPRA regulatory region 10524; plus strand), LOC130058947 (ATAC-STARR-seq lymphoblastoid silent region 7451; plus strand) and 1 more. Cytogenetic location: 16q12.1.
Variant type: copy number loss.
Change: copy number 1 (one copy instead of two) of chr16:47,304,199-47,547,761 (243.6 kb, GRCh38 coordinates, 1-based), cytogenetic band 16q12.1.
Identifiers: ClinVar variation 4796226 (VCV004796226.1).

ClinVar aggregate classification (germline): Uncertain significance (1 of 4 stars; one submission).

Submission:

Medical Genetic Center, Changzhi Maternal and Child Health Care Hospital
Classification: Uncertain significance. Last evaluated: 2025-12-10. Review status: criteria provided, single submitter. Criteria: ACMG/ClinGen CNV Guidelines, 2019. Collection method: clinical testing. Allele origin: unknown.